The following is an entry in ClinVar:

ClinVar aggregate classification (germline): Uncertain significance (1 of 4 stars; one submission).

Submission:

Labcorp Genetics (formerly Invitae), Labcorp
Classification: Uncertain significance. Last evaluated: 2023-02-14. Review status: criteria provided, single submitter. Criteria: Invitae Variant Classification Sherloc (09022015). Collection method: clinical testing. Allele origin: germline.
Comment: In summary, the available evidence is currently insufficient to determine the role of this variant in disease. Therefore, it has been classified as a Variant of Uncertain Significance. Algorithms developed to predict the effect of missense changes on protein structure and function are either unavailable or do not agree on the potential impact of this missense change (SIFT: "Deleterious"; PolyPhen-2: "Benign"; Align-GVGD: "Class C65"). This variant has not been reported in the literature in individuals affected with ANGPT1-related conditions. This variant is not present in population databases (gnomAD no frequency). This sequence change replaces isoleucine, which is neutral and non-polar, with threonine, which is neutral and polar, at codon 184 of the ANGPT1 protein (p.Ile184Thr).

NM_001146.5(ANGPT1):c.551T>C (p.Ile184Thr)

Gene: ANGPT1 (angiopoietin 1; minus strand). Cytogenetic location: 8q23.1.
Variant type: single nucleotide variant.
Coding change: c.551T>C on transcript NM_001146.5 (MANE Select); coding-DNA position 551, T replaced by C.
Protein change: p.Ile184Thr; replaces isoleucine 184 with threonine.
Molecular consequence: missense variant. On other transcripts: 5 prime UTR variant (1).
Genome position (GRCh38, 1-based): chr8:107,336,174, A>G on the plus strand (T>C on the coding strand, the complement: ANGPT1 is on the minus strand). VCF-style: chr8-107336174-A-G. GRCh37 (hg19) VCF-style: chr8-108348402-A-G.
Other names: c.551T>C, p.Ile184Thr (NM_001199859.3); c.-50T>C (NM_001314051.2); short protein forms I184T.
Identifiers: ClinVar variation 2835753 (VCV002835753.3), dbSNP rs2488284452, ClinGen allele CA372034488.